The following is an entry in ClinVar:

ClinVar aggregate classification (germline): Uncertain significance (1 of 4 stars; one submission).

Conditions:
Holoprosencephaly 11 (HPE11). Identifiers: Orphanet 2162, MedGen C3280215, MONDO:0013642, OMIM 614226.

Submission:

Labcorp Genetics (formerly Invitae), Labcorp
Classification: Uncertain significance for Holoprosencephaly 11. Last evaluated: 2024-10-24. Review status: criteria provided, single submitter. Criteria: Invitae Variant Classification Sherloc (09022015). Collection method: clinical testing. Allele origin: germline.
Comment: This sequence change replaces serine, which is neutral and polar, with proline, which is neutral and non-polar, at codon 823 of the CDON protein (p.Ser823Pro). This variant is not present in population databases (gnomAD no frequency). This variant has not been reported in the literature in individuals affected with CDON-related conditions. ClinVar contains an entry for this variant (Variation ID: 1719325). Invitae Evidence Modeling of protein sequence and biophysical properties (such as structural, functional, and spatial information, amino acid conservation, physicochemical variation, residue mobility, and thermodynamic stability) indicates that this missense variant is not expected to disrupt CDON protein function with a negative predictive value of 80%. In summary, the available evidence is currently insufficient to determine the role of this variant in disease. Therefore, it has been classified as a Variant of Uncertain Significance.

NM_001378964.1(CDON):c.2467T>C (p.Ser823Pro)

Gene: CDON (cell adhesion associated, oncogene regulated; minus strand). Cytogenetic location: 11q24.2.
Variant type: single nucleotide variant.
Coding change: c.2467T>C on transcript NM_001378964.1 (MANE Select); coding-DNA position 2467, T replaced by C.
Protein change: p.Ser823Pro; replaces serine 823 with proline.
Molecular consequence: missense variant.
Genome position (GRCh38, 1-based): chr11:125,994,948, A>G on the plus strand (T>C on the coding strand, the complement: CDON is on the minus strand). VCF-style: chr11-125994948-A-G. GRCh37 (hg19) VCF-style: chr11-125864843-A-G.
Other names: c.2467T>C, p.Ser823Pro (NM_001243597.3, NM_016952.6); short protein forms S823P.
Identifiers: ClinVar variation 1719325 (VCV001719325.5), dbSNP rs764628885, ClinGen allele CA383204545.